The following is an entry in ClinVar:

NM_001405151.1(RTL5):c.186C>G (p.Pro62=)

Genes: NHSL2 (NHS like 2; plus strand), RTL5 (retrotransposon Gag like 5; minus strand). Cytogenetic location: Xq13.1.
Variant type: single nucleotide variant.
Coding change: c.186C>G on transcript NM_001405151.1 (MANE Select); coding-DNA position 186, C replaced by G.
Protein change: p.Pro62=; no amino-acid change (proline 62 retained).
Molecular consequence: synonymous variant. On other transcripts: intron variant (1).
Genome position (GRCh38, 1-based): chrX:72,131,355, G>C on the plus strand (C>G on the coding strand, the complement: RTL5 is on the minus strand). VCF-style: chrX-72131355-G-C. GRCh37 (hg19) VCF-style: chrX-71351205-G-C.
Other names: c.186C>G, p.Pro62= (NM_001024455.4); c.281-724G>C (NM_001013627.3).
Identifiers: ClinVar variation 2660898 (VCV002660898.24), dbSNP rs200101086, ClinGen allele CA10448789.

ClinVar aggregate classification (germline): Likely benign (1 of 4 stars; one submission).

Allele frequency attached by ClinVar (database versions not stated): gnomAD 0.00010; TOPMed 0.00017; ESP Exome Variant Server 0.00020; ExAC 0.00021.
gnomAD v4.1: 239 of 1,204,645 alleles (0.02%); highest among the groups gnomAD compares: Middle Eastern, 0.28%; no homozygotes.

Submission:

CeGaT Center for Human Genetics Tuebingen
Classification: Likely benign. Last evaluated: 2022-05-01. Review status: criteria provided, single submitter. Criteria: CeGaT Center For Human Genetics Tuebingen Variant Classification Criteria Version 2. Collection method: clinical testing. Allele origin: germline. Affected: yes. Observed: 1 variant allele.
Comment: RTL5: BP4, BP7